The following is an entry in ClinVar:

ClinVar aggregate classification (germline): Uncertain significance (1 of 4 stars; one submission).

Conditions:
Holoprosencephaly 3 (HPE3). Identifiers: Orphanet 2162, MedGen C1840529, MONDO:0007733, OMIM 142945.

gnomAD v4.1: 5 of 593,088 alleles (0.00084%); highest among the groups gnomAD compares: Non-Finnish European, 0.0013%; no homozygotes.

Submission:

Labcorp Genetics (formerly Invitae), Labcorp
Classification: Uncertain significance for Holoprosencephaly 3. Last evaluated: 2023-04-26. Review status: criteria provided, single submitter. Criteria: Invitae Variant Classification Sherloc (09022015). Collection method: clinical testing. Allele origin: germline.
Comment: This variant occurs in a non-coding region of the SHH gene. It does not change the encoded amino acid sequence of the SHH protein. This variant is not present in population databases (gnomAD no frequency). This variant has not been reported in the literature in individuals affected with SHH-related conditions. Experimental studies and prediction algorithms are not available or were not evaluated, and the effect of this variant on mRNA splicing is currently unknown. In summary, the available evidence is currently insufficient to determine the role of this variant in disease. Therefore, it has been classified as a Variant of Uncertain Significance.

NC_000007.14:g.156763928C>T

Genes: LMBR1 (limb development membrane protein 1; minus strand), SHH (sonic hedgehog signaling molecule; minus strand). Cytogenetic location: 7q36.3.
Variant type: single nucleotide variant.
Molecular consequence: intron variant (on NM_022458.4).
Genome position: GRCh38 VCF-style: chr7-156763928-C-T. GRCh37 (hg19) VCF-style: chr7-156556622-C-T.
Other names: c.361-133G>A (NM_001363412.2); c.145-133G>A (NM_001350954.2); c.424-133G>A (NM_001363410.2, NM_022458.4, NM_001363409.2 and 1 more transcripts); c.-33-133G>A (NM_001350958.2, NM_001350956.2, NM_001350955.2 and 1 more transcripts); c.55-133G>A (NM_001350957.2, NM_001363411.2).
Identifiers: ClinVar variation 2806239 (VCV002806239.3), dbSNP rs986889666, ClinGen allele CA835792703.